The following is an entry in ClinVar:

NM_003737.4(DCHS1):c.1604C>T (p.Ser535Leu)

Gene: DCHS1 (dachsous cadherin-related 1; minus strand). Cytogenetic location: 11p15.4.
Variant type: single nucleotide variant.
Coding change: c.1604C>T on transcript NM_003737.4 (MANE Select); coding-DNA position 1604, C replaced by T.
Protein change: p.Ser535Leu; replaces serine 535 with leucine.
Molecular consequence: missense variant.
Genome position (GRCh38, 1-based): chr11:6,640,010, G>A on the plus strand (C>T on the coding strand, the complement: DCHS1 is on the minus strand). VCF-style: chr11-6640010-G-A. GRCh37 (hg19) VCF-style: chr11-6661241-G-A.
Other names: c.1604C>T (NM_003737.2); short protein forms S535L.
Identifiers: ClinVar variation 2896466 (VCV002896466.4), dbSNP rs770502777, ClinGen allele CA5860932.
Genomic context (GRCh38, chr11:6,640,010, plus strand): 5'-AGGCCACCATCTGTGGCCACCACAATCAGCTGTGGCTGAGGTTCCAACTCATAGTCCAGT[G>A]AGGCAGCCGTAGTGATAATGCCTGAGGTGGGGTCAATGGAGAACCAGTGGGTGTGGGCGC-3'
Protein context (NP_003728.1, residues 525-545): PTSGIITTAA[Ser535Leu]LDYELEPQPQ

ClinVar aggregate classification (germline): Uncertain significance. Review status: criteria provided, multiple submitters, no conflicts (2 of 4 stars). 2 submissions from 2 submitters: Uncertain significance (2). Last evaluated 2025-03-07.

Conditions:
Inborn genetic diseases. Identifiers: MedGen C0950123, MeSH D030342.

Allele frequency attached by ClinVar (database versions not stated): ExAC 0.00001; gnomAD exomes below 0.00001; TOPMed 0.00001.
gnomAD v4.1: 5 of 1,613,948 alleles (0.00031%); highest among the groups gnomAD compares: East Asian, 0.0022%; no homozygotes.

Submissions (2):

Labcorp Genetics (formerly Invitae), Labcorp
Classification: Uncertain significance. Last evaluated: 2025-03-07. Review status: criteria provided, single submitter. Criteria: Invitae Variant Classification Sherloc (09022015). Collection method: clinical testing. Allele origin: germline.
Comment: This sequence change replaces serine, which is neutral and polar, with leucine, which is neutral and non-polar, at codon 535 of the DCHS1 protein (p.Ser535Leu). This variant is present in population databases (rs770502777, gnomAD 0.003%). This variant has not been reported in the literature in individuals affected with DCHS1-related conditions. ClinVar contains an entry for this variant (Variation ID: 2896466). An algorithm developed to predict the effect of missense changes on protein structure and function outputs the following: PolyPhen-2: "Benign". The leucine amino acid residue is found in multiple mammalian species, which suggests that this missense change does not adversely affect protein function. In summary, the available evidence is currently insufficient to determine the role of this variant in disease. Therefore, it has been classified as a Variant of Uncertain Significance.

Ambry Genetics
Classification: Uncertain significance for Inborn genetic diseases. Last evaluated: 2024-01-04. Review status: criteria provided, single submitter. Criteria: Ambry Variant Classification Scheme 2023. Collection method: clinical testing. Allele origin: germline.